The following is an entry in ClinVar:

NM_002291.3(LAMB1):c.1421C>T (p.Ser474Phe)

Gene: LAMB1 (laminin subunit beta 1; minus strand). Cytogenetic location: 7q31.1.
Variant type: single nucleotide variant.
Coding change: c.1421C>T on transcript NM_002291.3 (MANE Select); coding-DNA position 1421, C replaced by T.
Protein change: p.Ser474Phe; replaces serine 474 with phenylalanine.
Molecular consequence: missense variant.
Genome position (GRCh38, 1-based): chr7:107,975,047, G>A on the plus strand (C>T on the coding strand, the complement: LAMB1 is on the minus strand). VCF-style: chr7-107975047-G-A. GRCh37 (hg19) VCF-style: chr7-107615492-G-A.
Other names: short protein forms S474F.
Identifiers: ClinVar variation 1368098 (VCV001368098.8), dbSNP rs2150438457, ClinGen allele CA368876521.

ClinVar aggregate classification (germline): Uncertain significance (1 of 4 stars; one submission).

Submission:

Labcorp Genetics (formerly Invitae), Labcorp
Classification: Uncertain significance. Last evaluated: 2022-08-10. Review status: criteria provided, single submitter. Criteria: Invitae Variant Classification Sherloc (09022015). Collection method: clinical testing. Allele origin: germline.
Comment: In summary, the available evidence is currently insufficient to determine the role of this variant in disease. Therefore, it has been classified as a Variant of Uncertain Significance. Algorithms developed to predict the effect of missense changes on protein structure and function (SIFT, PolyPhen-2, Align-GVGD) all suggest that this variant is likely to be disruptive. ClinVar contains an entry for this variant (Variation ID: 1368098). This variant has not been reported in the literature in individuals affected with LAMB1-related conditions. This variant is not present in population databases (gnomAD no frequency). This sequence change replaces serine, which is neutral and polar, with phenylalanine, which is neutral and non-polar, at codon 474 of the LAMB1 protein (p.Ser474Phe).